The following is an entry in ClinVar:

ClinVar aggregate classification (germline): Conflicting classifications of pathogenicity. Review status: criteria provided, conflicting classifications (1 of 4 stars). 5 submissions from 5 submitters: Uncertain significance (2); Likely benign (3). Last evaluated 2025-11-10.

Conditions:
Hereditary cancer. Identifiers: MedGen C1333600.
Hereditary cancer-predisposing syndrome. Also called: Tumor predisposition; Hereditary neoplastic syndrome; Hereditary Cancer Syndrome; Neoplastic Syndromes, Hereditary. Identifiers: Orphanet 140162, MedGen C0027672, MeSH D009386, MONDO:0015356.

Allele frequency attached by ClinVar (database versions not stated): gnomAD 0.00001; TOPMed 0.00001.
gnomAD v4.1: 21 of 1,613,000 alleles (0.0013%); highest among the groups gnomAD compares: African/African-American, 0.0027%; no homozygotes.

Submissions (5):

Labcorp Genetics (formerly Invitae), Labcorp
Classification: Uncertain significance. Last evaluated: 2025-11-10. Review status: criteria provided, single submitter. Criteria: Invitae Variant Classification Sherloc (09022015). Collection method: clinical testing. Allele origin: germline.
Comment: This sequence change replaces arginine, which is basic and polar, with tryptophan, which is neutral and slightly polar, at codon 2259 of the POLE protein (p.Arg2259Trp). This variant is present in population databases (no rsID available, gnomAD 0.01%). This missense change has been observed in individual(s) with breast cancer (PMID: 35534704). ClinVar contains an entry for this variant (Variation ID: 421275). Invitae Evidence Modeling of protein sequence and biophysical properties (such as structural, functional, and spatial information, amino acid conservation, physicochemical variation, residue mobility, and thermodynamic stability) indicates that this missense variant is not expected to disrupt POLE protein function with a negative predictive value of 80%. In summary, the available evidence is currently insufficient to determine the role of this variant in disease. Therefore, it has been classified as a Variant of Uncertain Significance.

Ambry Genetics
Classification: Likely benign for Hereditary cancer-predisposing syndrome. Last evaluated: 2025-01-14. Review status: criteria provided, single submitter. Criteria: Ambry Variant Classification Scheme 2023. Collection method: clinical testing. Allele origin: germline.

Mendelics
Classification: Likely benign for Hereditary cancer. Last evaluated: 2024-01-23. Review status: criteria provided, single submitter. Criteria: ACMG Guidelines, 2015. Collection method: clinical testing. Allele origin: unknown.

CeGaT Center for Human Genetics Tuebingen
Classification: Likely benign. Last evaluated: 2023-10-01. Review status: criteria provided, single submitter. Criteria: CeGaT Center For Human Genetics Tuebingen Variant Classification Criteria Version 2. Collection method: clinical testing. Allele origin: germline. Affected: yes. Observed: 2 variant alleles.
Comment: POLE: BP4

GeneDx
Classification: Uncertain significance. Last evaluated: 2023-01-30. Review status: criteria provided, single submitter. Criteria: GeneDx Variant Classification Process June 2021. Collection method: clinical testing. Allele origin: germline. Affected: yes.
Comment: Not observed at significant frequency in large population cohorts (gnomAD); In silico analysis supports that this missense variant has a deleterious effect on protein structure/function; Observed in an individual with breast and thyroid cancer (Pinheiro et al., 2020); This variant is associated with the following publications: (PMID: 28873162, 32443704)

Literature cited by the submitters: PubMed 35534704 (cited by Labcorp Genetics (formerly Invitae), Labcorp).

NM_006231.4(POLE):c.6775C>T (p.Arg2259Trp)

Gene: POLE (DNA polymerase epsilon, catalytic subunit; minus strand). Cytogenetic location: 12q24.33.
Variant type: single nucleotide variant.
Coding change: c.6775C>T on transcript NM_006231.4 (MANE Select); coding-DNA position 6775, C replaced by T.
Protein change: p.Arg2259Trp; replaces arginine 2259 with tryptophan.
Molecular consequence: missense variant.
Genome position (GRCh38, 1-based): chr12:132,624,783, G>A on the plus strand (C>T on the coding strand, the complement: POLE is on the minus strand). VCF-style: chr12-132624783-G-A. GRCh37 (hg19) VCF-style: chr12-133201369-G-A.
Other names: short protein forms R2259W.
Identifiers: ClinVar variation 421275 (VCV000421275.51), dbSNP rs866548835, ClinGen allele CA16619454.